The following is an entry in ClinVar:

NM_014049.5(ACAD9):c.1355T>A (p.Ile452Asn)

Gene: ACAD9 (acyl-CoA dehydrogenase family member 9; plus strand). Cytogenetic location: 3q21.3.
Variant type: single nucleotide variant.
Coding change: c.1355T>A on transcript NM_014049.5 (MANE Select); coding-DNA position 1355, T replaced by A.
Protein change: p.Ile452Asn; replaces isoleucine 452 with asparagine.
Molecular consequence: missense variant. On other transcripts: non-coding transcript variant (1).
Genome position (GRCh38, 1-based): chr3:128,908,261, T>A. VCF-style: chr3-128908261-T-A. GRCh37 (hg19) VCF-style: chr3-128627104-T-A.
Other names: c.986T>A, p.Ile329Asn (NM_001410805.1); short protein forms I329N, I452N.
Identifiers: ClinVar variation 3600755 (VCV003600755.1).

ClinVar aggregate classification (germline): Uncertain significance (1 of 4 stars; one submission).

Submission:

GeneDx
Classification: Uncertain significance. Last evaluated: 2024-07-19. Review status: criteria provided, single submitter. Criteria: GeneDx Variant Classification Process June 2021. Collection method: clinical testing. Allele origin: germline. Affected: yes.
Comment: Not observed at significant frequency in large population cohorts (gnomAD); In silico analysis indicates that this missense variant does not alter protein structure/function; Has not been previously published as pathogenic or benign to our knowledge